The following is an entry in ClinVar:

NM_001291303.3(FAT4):c.3153A>G (p.Gln1051=)

Gene: FAT4 (FAT atypical cadherin 4; plus strand). Cytogenetic location: 4q28.1.
Variant type: single nucleotide variant.
Coding change: c.3153A>G on transcript NM_001291303.3 (MANE Select); coding-DNA position 3153, A replaced by G.
Protein change: p.Gln1051=; no amino-acid change (glutamine 1051 retained).
Molecular consequence: synonymous variant.
Genome position (GRCh38, 1-based): chr4:125,319,564, A>G. VCF-style: chr4-125319564-A-G. GRCh37 (hg19) VCF-style: chr4-126240719-A-G.
Other names: c.3153A>G (NM_024582.5); c.3153A>G, p.Gln1051= (NM_001291285.3, NM_024582.6).
Identifiers: ClinVar variation 764926 (VCV000764926.9), dbSNP rs372689449, ClinGen allele CA3072267.
Genomic context (GRCh38, chr4:125,319,564, plus strand): 5'-TGCATACACCATTGCTGAAGGAAATACAGGGGATGCTTTTGGCATATTCCCAGATGGTCA[A>G]TTGTATATAAAAAGTGAACTGGACCGTGAACTTCAAGACAGATATGTTTTAATGGTTGTT-3'
Protein context (NP_001278232.1, residues 1041-1061): GDAFGIFPDG[Gln1051=]LYIKSELDRE

ClinVar aggregate classification (germline): Conflicting classifications of pathogenicity. Review status: criteria provided, conflicting classifications (1 of 4 stars). 3 submissions from 3 submitters: Uncertain significance (1); Likely benign (2). Last evaluated 2026-06-24.

Conditions:
FAT4-related disorder. Also called: FAT4-related condition.
Hennekam lymphangiectasia-lymphedema syndrome 2 (HKLLS2). Identifiers: Orphanet 2136, MedGen C4014939, MONDO:0014454, OMIM 616006.
Van Maldergem syndrome 2 (VMLDS2). Identifiers: Orphanet 314679, MedGen C3809875, MONDO:0014242, OMIM 615546.

Allele frequency attached by ClinVar (database versions not stated): gnomAD exomes 0.00001 and 0.00005; ExAC 0.00002; gnomAD 0.00002; TOPMed 0.00003; ESP Exome Variant Server 0.00008.
gnomAD v4.1: 77 of 1,614,062 alleles (0.0048%); highest among the groups gnomAD compares: Non-Finnish European, 0.006%; no homozygotes.

Submissions (3):

PreventionGenetics, part of Exact Sciences
Classification: Likely benign for FAT4-related condition. Last evaluated: 2026-06-24. Review status: criteria provided, single submitter. Criteria: ACMG Guidelines, 2015. Collection method: clinical testing. Allele origin: germline.
Comment: This variant is classified as likely benign based on ACMG/AMP sequence variant interpretation guidelines (Richards et al. 2015 PMID: 25741868, with internal and published modifications).

Labcorp Genetics (formerly Invitae), Labcorp
Classification: Likely benign. Last evaluated: 2025-07-29. Review status: criteria provided, single submitter. Criteria: Invitae Variant Classification Sherloc (09022015). Collection method: clinical testing. Allele origin: germline.

Fulgent Genetics
Classification: Uncertain significance for Van Maldergem syndrome 2; Hennekam lymphangiectasia-lymphedema syndrome 2. Last evaluated: 2024-04-07. Review status: criteria provided, single submitter. Criteria: ACMG Guidelines, 2015. Collection method: clinical testing. Allele origin: germline.